The following is an entry in ClinVar:

NM_001199397.3(NEK1):c.1829_1830delinsGG (p.Glu610Gly)

Gene: NEK1 (NIMA related kinase 1; minus strand). Cytogenetic location: 4q33.
Variant type: Indel.
Coding change: c.1829_1830delinsGG on transcript NM_001199397.3 (MANE Select); coding-DNA positions 1829 to 1830, AA replaced by GG.
Protein change: p.Glu610Gly; replaces glutamic acid 610 with glycine.
Molecular consequence: missense variant. On other transcripts: non-coding transcript variant (1).
Genome position (GRCh38, 1-based): chr4:169,508,251-169,508,252, TT replaced by CC on the plus strand (AA replaced by GG on the coding strand, the reverse complement: NEK1 is on the minus strand). VCF-style: chr4-169508251-TT-CC. GRCh37 (hg19) VCF-style: chr4-170429402-TT-CC.
Other names: c.1697_1698delinsGG, p.Glu566Gly (NM_001199398.3); c.1538_1539delinsGG, p.Glu513Gly (NM_001199399.3); c.1613_1614delinsGG, p.Glu538Gly (NM_001199400.3); c.1829_1830delinsGG, p.Glu610Gly (NM_001374418.1); c.1745_1746delinsGG, p.Glu582Gly (NM_001374419.1, NM_012224.4); c.1694_1695delinsGG, p.Glu565Gly (NM_001374420.1); c.1619_1620delinsGG, p.Glu540Gly (NM_001374421.1); short protein forms E513G, E566G, E540G, E565G, E610G, E538G, E582G.
Identifiers: ClinVar variation 2727669 (VCV002727669.3), dbSNP rs2546553190, ClinGen allele CA2697546984.

ClinVar aggregate classification (germline): Uncertain significance (1 of 4 stars; one submission).

Conditions:
Short-rib thoracic dysplasia 6 with or without polydactyly (SRTD6). Also called: SHORT-RIB THORACIC DYSPLASIA 6 WITH POLYDACTYLY; SHORT-RIB THORACIC DYSPLASIA 6 WITHOUT POLYDACTYLY; Majewski Syndrome; POLYDACTYLY WITH NEONATAL CHONDRODYSTROPHY, TYPE II; SHORT RIB-POLYDACTYLY SYNDROME, TYPE IIA. Identifiers: MedGen C0024507, MONDO:0009894, OMIM 263520.

Submission:

Labcorp Genetics (formerly Invitae), Labcorp
Classification: Uncertain significance for Short-rib thoracic dysplasia 6 with or without polydactyly. Last evaluated: 2023-06-12. Review status: criteria provided, single submitter. Criteria: Invitae Variant Classification Sherloc (09022015). Collection method: clinical testing. Allele origin: germline.
Comment: In summary, the available evidence is currently insufficient to determine the role of this variant in disease. Therefore, it has been classified as a Variant of Uncertain Significance. An algorithm developed to predict the effect of missense changes on protein structure and function (PolyPhen-2) suggests that this variant is likely to be disruptive. This variant has not been reported in the literature in individuals affected with NEK1-related conditions. Information on the frequency of this variant in the gnomAD database is not available, as this variant may be reported differently in the database. This sequence change replaces glutamic acid, which is acidic and polar, with glycine, which is neutral and non-polar, at codon 582 of the NEK1 protein (p.Glu582Gly).